The following is an entry in ClinVar:

ClinVar aggregate classification (germline): Uncertain significance. Review status: criteria provided, multiple submitters, no conflicts (2 of 4 stars). 2 submissions from 2 submitters: Uncertain significance (2). Last evaluated 2025-10-18.

Conditions:
Familial dysautonomia. Also called: FD; HSAN III. Identifiers: Orphanet 1764, MedGen C0013364, MONDO:0009131, OMIM 223900. Disease mechanism: loss of function.
Medulloblastoma (MDB). Also called: Medulloblastoma, somatic; MEDULLOBLASTOMA PREDISPOSITION SYNDROME. Identifiers: Orphanet 616, MedGen C0025149, MeSH D008527, MONDO:0007959, OMIM 155255, HP:0002885.

Submissions (2):

Labcorp Genetics (formerly Invitae), Labcorp
Classification: Uncertain significance. Last evaluated: 2025-10-18. Review status: criteria provided, single submitter. Criteria: Invitae Variant Classification Sherloc (09022015). Collection method: clinical testing. Allele origin: germline.
Comment: This sequence change replaces proline, which is neutral and non-polar, with serine, which is neutral and polar, at codon 869 of the ELP1 protein (p.Pro869Ser). This variant is present in population databases (rs748414921, gnomAD 0.02%). This variant has not been reported in the literature in individuals affected with ELP1-related conditions. ClinVar contains an entry for this variant (Variation ID: 3596248). An algorithm developed to predict the effect of missense changes on protein structure and function (PolyPhen-2) suggests that this variant is likely to be tolerated. In summary, the available evidence is currently insufficient to determine the role of this variant in disease. Therefore, it has been classified as a Variant of Uncertain Significance.

Fulgent Genetics
Classification: Uncertain significance for Medulloblastoma; Familial dysautonomia. Last evaluated: 2024-01-16. Review status: criteria provided, single submitter. Criteria: ACMG Guidelines, 2015. Collection method: clinical testing. Allele origin: germline.

NM_003640.5(ELP1):c.2605C>T (p.Pro869Ser)

Gene: ELP1 (elongator acetyltransferase complex subunit 1; minus strand). Cytogenetic location: 9q31.3.
Variant type: single nucleotide variant.
Coding change: c.2605C>T on transcript NM_003640.5 (MANE Select); coding-DNA position 2605, C replaced by T.
Protein change: p.Pro869Ser; replaces proline 869 with serine.
Molecular consequence: missense variant.
Genome position (GRCh38, 1-based): chr9:108,896,627, G>A on the plus strand (C>T on the coding strand, the complement: ELP1 is on the minus strand). VCF-style: chr9-108896627-G-A. GRCh37 (hg19) VCF-style: chr9-111658907-G-A.
Other names: c.2263C>T, p.Pro755Ser (NM_001318360.2); c.1558C>T, p.Pro520Ser (NM_001330749.2); short protein forms P869S, P520S, P755S.
Identifiers: ClinVar variation 3596248 (VCV003596248.2).